The following is an entry in ClinVar:

NM_000540.3(RYR1):c.13456G>A (p.Glu4486Lys)

Gene: RYR1 (ryanodine receptor 1; plus strand). Cytogenetic location: 19q13.2.
Variant type: single nucleotide variant.
Coding change: c.13456G>A on transcript NM_000540.3 (MANE Select); coding-DNA position 13456, G replaced by A.
Protein change: p.Glu4486Lys; replaces glutamic acid 4486 with lysine.
Molecular consequence: missense variant.
Genome position (GRCh38, 1-based): chr19:38,566,929, G>A. VCF-style: chr19-38566929-G-A. GRCh37 (hg19) VCF-style: chr19-39057569-G-A.
Other names: c.13441G>A, p.Glu4481Lys (NM_001042723.2); short protein forms E4481K, E4486K.
Identifiers: ClinVar variation 3073083 (VCV003073083.1), dbSNP rs2514689533, ClinGen allele CA405676301.

ClinVar aggregate classification (germline): Uncertain significance (1 of 4 stars; one submission).

Conditions:
Malignant hyperthermia, susceptibility to, 1 (MHS1). Also called: Anesthesia related hyperthermia; Malignant hyperpyrexia; Fulminating hyperpyrexia; Pharmacogenic myopathy; RYR1-Related Malignant Hyperthermia Susceptibility; Malignant hyperthermia suceptibility 1. Identifiers: Orphanet 423, MedGen C2930980, MONDO:0007783, OMIM 145600.

Submission:

All of Us Research Program, National Institutes of Health
Classification: Uncertain significance for Malignant hyperthermia, susceptibility to, 1. Last evaluated: 2023-08-23. Review status: criteria provided, single submitter. Criteria: ACMG Guidelines, 2015. Collection method: clinical testing. Allele origin: germline. Inheritance: Autosomal dominant inheritance. Observed: 1 variant allele, 1 heterozygote.
Comment: This missense variant replaces glutamic acid with lysine at codon 4486 of the RYR1 protein. Computational prediction suggests that this variant may not impact protein structure and function (internally defined REVEL score threshold <= 0.5, PMID: 27666373). To our knowledge, functional studies have not been reported for this variant. This variant has not been reported in individuals affected with RYR1-related disorders in the literature. This variant has not been identified in the general population by the Genome Aggregation Database (gnomAD). The available evidence is insufficient to determine the role of this variant in disease conclusively. Therefore, this variant is classified as a Variant of Uncertain Significance.

This study involves interpretation of variants in research participants for the purpose of population health screening. Participant phenotype was not available at the time of variant classification. Additional details can be found in publication PMID: 35346344, PMCID: PMC8962531